The following is an entry in ClinVar:

NM_005228.5(EGFR):c.463G>A (p.Ala155Thr)

Gene: EGFR (epidermal growth factor receptor; plus strand). Cytogenetic location: 7p11.2.
Variant type: single nucleotide variant.
Coding change: c.463G>A on transcript NM_005228.5 (MANE Select); coding-DNA position 463, G replaced by A.
Protein change: p.Ala155Thr; replaces alanine 155 with threonine.
Molecular consequence: missense variant. On other transcripts: intron variant (3).
Genome position (GRCh38, 1-based): chr7:55,146,644, G>A. VCF-style: chr7-55146644-G-A. GRCh37 (hg19) VCF-style: chr7-55214337-G-A.
Other names: c.424+3156G>A (NM_001346897.2, NM_001346899.2); c.463G>A, p.Ala155Thr (NM_001346898.2, NM_201282.2, NM_201283.2 and 1 more transcripts); c.304G>A, p.Ala102Thr (NM_001346900.2); c.89-9186G>A (NM_001346941.2); short protein forms A102T, A155T.
Identifiers: ClinVar variation 1713288 (VCV001713288.5), dbSNP rs919891568, ClinGen allele CA367576540.

ClinVar aggregate classification (germline): Uncertain significance (1 of 4 stars; one submission).

Conditions:
EGFR-related lung cancer (EGFR). Identifiers: MedGen CN130014.

gnomAD v4.1: 1 of 1,613,966 alleles (0.000062%); highest among the groups gnomAD compares: African/African-American, 0.0013%; no homozygotes.

Submission:

Labcorp Genetics (formerly Invitae), Labcorp
Classification: Uncertain significance for EGFR-related lung cancer. Last evaluated: 2022-07-22. Review status: criteria provided, single submitter. Criteria: Invitae Variant Classification Sherloc (09022015). Collection method: clinical testing. Allele origin: germline.
Comment: This variant is not present in population databases (gnomAD no frequency). In summary, the available evidence is currently insufficient to determine the role of this variant in disease. Therefore, it has been classified as a Variant of Uncertain Significance. Algorithms developed to predict the effect of missense changes on protein structure and function output the following: SIFT: "Tolerated"; PolyPhen-2: "Benign"; Align-GVGD: "Class C0". The threonine amino acid residue is found in multiple mammalian species, which suggests that this missense change does not adversely affect protein function. This variant has not been reported in the literature in individuals affected with EGFR-related conditions. This sequence change replaces alanine, which is neutral and non-polar, with threonine, which is neutral and polar, at codon 155 of the EGFR protein (p.Ala155Thr).